The following is an entry in ClinVar:

NM_001008212.2(OPTN):c.1253T>C (p.Val418Ala)

Gene: OPTN (optineurin; plus strand). Cytogenetic location: 10p13.
Variant type: single nucleotide variant.
Coding change: c.1253T>C on transcript NM_001008212.2 (MANE Select); coding-DNA position 1253, T replaced by C.
Protein change: p.Val418Ala; replaces valine 418 with alanine.
Molecular consequence: missense variant.
Genome position (GRCh38, 1-based): chr10:13,127,755, T>C. VCF-style: chr10-13127755-T-C. GRCh37 (hg19) VCF-style: chr10-13169755-T-C.
Other names: c.1253T>C, p.Val418Ala (NM_001008211.1, NM_001008213.1, NM_021980.4); short protein forms V418A.
Identifiers: ClinVar variation 3760776 (VCV003760776.2).
Genomic context (GRCh38, chr10:13,127,755, plus strand): 5'-CAGGCAGAATTATTTCAAAACCATTTCTAGAATAAATGTTTCTTTTTCAGTCAGAAAAAG[T>C]GGACAGGGCAGTGCTGAAGGAACTGAGTGAAAAACTGGAACTGGCAGAGAAGGCTCTGGC-3'
Protein context (NP_001008213.1, residues 408-428): EELTRKESEK[Val418Ala]DRAVLKELSE

ClinVar aggregate classification (germline): Uncertain significance (1 of 4 stars; one submission).

Conditions:
Primary open angle glaucoma (POAG). Also called: OPTN-related open angle glaucoma. Identifiers: MedGen C0339573, MONDO:0100553, OMIM 137760.
Glaucoma 1, open angle, E. Identifiers: MedGen C1842026, MONDO:0007665.
Amyotrophic lateral sclerosis type 12 (ALS12). Also called: AMYOTROPHIC LATERAL SCLEROSIS 12 WITH OR WITHOUT FRONTOTEMPORAL DEMENTIA. Identifiers: Orphanet 803, MedGen C3150692, MONDO:0013264, OMIM 613435.

gnomAD v4.1: 50 of 1,613,950 alleles (0.0031%); highest among the groups gnomAD compares: Non-Finnish European, 0.0042%; no homozygotes.

Submission:

Labcorp Genetics (formerly Invitae), Labcorp
Classification: Uncertain significance for Primary open angle glaucoma; Glaucoma 1, open angle, E; Amyotrophic lateral sclerosis type 12. Last evaluated: 2024-05-22. Review status: criteria provided, single submitter. Criteria: Invitae Variant Classification Sherloc (09022015). Collection method: clinical testing. Allele origin: germline.
Comment: This sequence change replaces valine, which is neutral and non-polar, with alanine, which is neutral and non-polar, at codon 418 of the OPTN protein (p.Val418Ala). This variant is not present in population databases (gnomAD no frequency). This variant has not been reported in the literature in individuals affected with OPTN-related conditions. Advanced modeling of protein sequence and biophysical properties (such as structural, functional, and spatial information, amino acid conservation, physicochemical variation, residue mobility, and thermodynamic stability) performed at Invitae indicates that this missense variant is not expected to disrupt OPTN protein function with a negative predictive value of 80%. In summary, the available evidence is currently insufficient to determine the role of this variant in disease. Therefore, it has been classified as a Variant of Uncertain Significance.